The following is an entry in ClinVar:

NM_005045.4(RELN):c.657-14C>G

Gene: RELN (reelin; minus strand). Cytogenetic location: 7q22.1.
Variant type: single nucleotide variant.
Coding change: c.657-14C>G on transcript NM_005045.4 (MANE Select); 14 bases into the intron before coding-DNA position 657, C replaced by G.
Molecular consequence: intron variant.
Genome position (GRCh38, 1-based): chr7:103,728,221, G>C on the plus strand (C>G on the coding strand, the complement: RELN is on the minus strand). VCF-style: chr7-103728221-G-C. GRCh37 (hg19) VCF-style: chr7-103368668-G-C.
Other names: c.657-14C>G (NM_173054.3).
Identifiers: ClinVar variation 3769070 (VCV003769070.2).

ClinVar aggregate classification (germline): Likely benign (1 of 4 stars; one submission).

Submission:

Women's Health and Genetics/Laboratory Corporation of America, LabCorp
Classification: Likely benign. Last evaluated: 2025-01-16. Review status: criteria provided, single submitter. Criteria: LabCorp Variant Classification Summary - May 2015. Collection method: clinical testing. Allele origin: germline.
Comment: Variant summary: RELN c.657-14C>G alters a conserved nucleotide located at a position not widely known to affect splicing. Consensus agreement among computation tools predict no significant impact on normal splicing. However, these predictions have yet to be confirmed by functional studies. The variant was absent in 250556 control chromosomes. The available data on variant occurrences in the general population are insufficient to allow any conclusion about variant significance. To our knowledge, no occurrence of c.657-14C>G in individuals affected with Epilepsy Familial Temporal Lobe 7 and no experimental evidence demonstrating its impact on protein function have been reported. No submitters have cited clinical-significance assessments for this variant to ClinVar. Based on the evidence outlined above, the variant was classified as likely benign.